The following is an entry in ClinVar:

ClinVar aggregate classification (germline): Uncertain significance. Review status: criteria provided, multiple submitters, no conflicts (2 of 4 stars). 2 submissions from 2 submitters: Uncertain significance (2). Last evaluated 2026-07-06.

Conditions:
Hereditary cancer-predisposing syndrome. Also called: Tumor predisposition; Hereditary Cancer Syndrome; Hereditary neoplastic syndrome; Neoplastic Syndromes, Hereditary. Identifiers: Orphanet 140162, MedGen C0027672, MeSH D009386, MONDO:0015356.

Submissions (2):

Ambry Genetics
Classification: Uncertain significance for Hereditary cancer-predisposing syndrome. Last evaluated: 2026-07-06. Review status: criteria provided, single submitter. Criteria: Ambry Variant Classification Scheme 2023. Collection method: clinical testing. Allele origin: germline.
Comment: The p.I611V variant (also known as c.1831A>G), located in coding exon 13 of the MSH3 gene, results from an A to G substitution at nucleotide position 1831. The isoleucine at codon 611 is replaced by valine, an amino acid with highly similar properties. This amino acid position is conserved. In addition, this alteration is predicted to be tolerated by in silico analysis. Based on the available evidence, the clinical significance of this variant remains unclear.

Labcorp Genetics (formerly Invitae), Labcorp
Classification: Uncertain significance. Last evaluated: 2019-10-29. Review status: criteria provided, single submitter. Criteria: Invitae Variant Classification Sherloc (09022015). Collection method: clinical testing. Allele origin: germline.
Comment: In summary, the available evidence is currently insufficient to determine the role of this variant in disease. Therefore, it has been classified as a Variant of Uncertain Significance. Algorithms developed to predict the effect of sequence changes on RNA splicing suggest that this variant may create or strengthen a splice site, but this prediction has not been confirmed by published transcriptional studies. Algorithms developed to predict the effect of missense changes on protein structure and function (SIFT, PolyPhen-2, Align-GVGD) all suggest that this variant is likely to be tolerated, but these predictions have not been confirmed by published functional studies and their clinical significance is uncertain. This variant has not been reported in the literature in individuals with MSH3-related conditions. This variant is not present in population databases (ExAC no frequency). This sequence change replaces isoleucine with valine at codon 611 of the MSH3 protein (p.Ile611Val). The isoleucine residue is moderately conserved and there is a small physicochemical difference between isoleucine and valine.

NM_002439.5(MSH3):c.1831A>G (p.Ile611Val)

Gene: MSH3 (mutS homolog 3; plus strand). Cytogenetic location: 5q14.1.
Variant type: single nucleotide variant.
Coding change: c.1831A>G on transcript NM_002439.5 (MANE Select); coding-DNA position 1831, A replaced by G.
Protein change: p.Ile611Val; replaces isoleucine 611 with valine.
Molecular consequence: missense variant.
Genome position (GRCh38, 1-based): chr5:80,761,613, A>G. VCF-style: chr5-80761613-A-G. GRCh37 (hg19) VCF-style: chr5-80057432-A-G.
Other names: c.1831A>G (NM_002439.3); short protein forms I611V.
Identifiers: ClinVar variation 971674 (VCV000971674.10), dbSNP rs1744035337, ClinGen allele CA360276605.